The following is an entry in ClinVar:

ClinVar aggregate classification (germline): Conflicting classifications of pathogenicity. Review status: criteria provided, conflicting classifications (1 of 4 stars). 2 submissions from 2 submitters: Likely pathogenic (1); Uncertain significance (1). Last evaluated 2018-11-03.

Conditions:
Epilepsy, childhood absence, susceptibility to, 5. Identifiers: Orphanet 64280, MedGen C2677087, MONDO:0012843, OMIM 612269.
Epilepsy, childhood absence, susceptibility to, 1. Also called: Epilepsy, childhood absence 1. Identifiers: Orphanet 64280, MedGen C1838604, MONDO:0020759, OMIM 600131.

Submissions (2):

Labcorp Genetics (formerly Invitae), Labcorp
Classification: Uncertain significance for Epilepsy, childhood absence, susceptibility to, 5; Epilepsy, childhood absence, susceptibility to, 1. Last evaluated: 2018-11-03. Review status: criteria provided, single submitter. Criteria: Invitae Variant Classification Sherloc (09022015). Collection method: clinical testing. Allele origin: germline.
Comment: In summary, the available evidence is currently insufficient to determine the role of this variant in disease. Therefore, it has been classified as a Variant of Uncertain Significance. Algorithms developed to predict the effect of missense changes on protein structure and function (SIFT, PolyPhen-2, Align-GVGD) all suggest that this variant is likely to be tolerated, but these predictions have not been confirmed by published functional studies and their clinical significance is uncertain. This variant has not been reported in the literature in individuals with GABRB3-related disease. ClinVar contains an entry for this variant (Variation ID: 420927). This variant is not present in population databases (ExAC no frequency). This sequence change replaces methionine with threonine at codon 80 of the GABRB3 protein (p.Met80Thr). The methionine residue is moderately conserved and there is a moderate physicochemical difference between methionine and threonine.

GeneDx
Classification: Likely pathogenic. Last evaluated: 2016-04-07. Review status: criteria provided, single submitter. Criteria: GeneDx Variant Classification (06012015). Collection method: clinical testing. Allele origin: germline. Affected: yes.
Comment: The M80T variant in the GABRB3 gene has not been reported previously as a pathogenic variant, nor as a benign variant, to our knowledge. The M80T variant was not observed in approximately 6,500 individuals of European and African American ancestry in the NHLBI Exome Sequencing Project, indicating it is not a common benign variant in these populations. The M80T variant is a non-conservative amino acid substitution, which is likely to impact secondary protein structure as these residues differ in polarity, charge, size and/or other properties. This substitution occurs at a position that is conserved across species. In silico analysis predicts this variant is probably damaging to the protein structure/function. We interpret M80T as a strong candidate for a pathogenic variant.

NM_000814.6(GABRB3):c.239T>C (p.Met80Thr)

Gene: GABRB3 (gamma-aminobutyric acid type A receptor subunit beta3; minus strand). Cytogenetic location: 15q12.
Variant type: single nucleotide variant.
Coding change: c.239T>C on transcript NM_000814.6 (MANE Select); coding-DNA position 239, T replaced by C.
Protein change: p.Met80Thr; replaces methionine 80 with threonine.
Molecular consequence: missense variant. On other transcripts: 5 prime UTR variant (1).
Genome position (GRCh38, 1-based): chr15:26,772,403, A>G on the plus strand (T>C on the coding strand, the complement: GABRB3 is on the minus strand). VCF-style: chr15-26772403-A-G. GRCh37 (hg19) VCF-style: chr15-27017550-A-G.
Other names: c.-113T>C (NM_001278631.2); c.239T>C, p.Met80Thr (NM_021912.5); short protein forms M80T.
Identifiers: ClinVar variation 420927 (VCV000420927.10), dbSNP rs1064794797, ClinGen allele CA16619912.